The following is an entry in ClinVar:

ClinVar aggregate classification (germline): Pathogenic (1 of 4 stars; one submission).

Conditions:
Primary ciliary dyskinesia 3. Identifiers: Orphanet 244, MedGen C1837618, MONDO:0012085, OMIM 608644.

Submission:

Myriad Genetics, Inc.
Classification: Pathogenic for Primary ciliary dyskinesia 3. Last evaluated: 2024-05-14. Review status: criteria provided, single submitter. Criteria: Myriad Autosomal Dominant, Autosomal Recessive and X-Linked Classification Criteria (2023). Collection method: clinical testing. Allele origin: unknown.
Comment: NM_001369.2(DNAH5):c.1682del1ins5(K561Ifs*17) is expected to be pathogenic in the context of primary ciliary dyskinesia, DNAH5-related. This variant is predicted to lead to an abnormal or absent protein product due to the creation of a premature termination codon in DNAH5, a gene where loss-of-function variants are known to be pathogenic. Please note: this variant was assessed in the context of healthy population screening.

NM_001369.3(DNAH5):c.1682delinsTTCTT (p.Lys561fs)

Gene: DNAH5 (dynein axonemal heavy chain 5; minus strand). Cytogenetic location: 5p15.2.
Variant type: Indel.
Coding change: c.1682delinsTTCTT on transcript NM_001369.3 (MANE Select); coding-DNA position 1682, A replaced by TTCTT.
Protein change: p.Lys561fs; shifts the reading frame from lysine 561.
Molecular consequence: frameshift variant.
Genome position (GRCh38, 1-based): chr5:13,902,101, T replaced by AAGAA on the plus strand (A replaced by TTCTT on the coding strand, the reverse complement: DNAH5 is on the minus strand). VCF-style: chr5-13902101-T-AAGAA. GRCh37 (hg19) VCF-style: chr5-13902210-T-AAGAA.
Other names: short protein forms K561fs.
Identifiers: ClinVar variation 5011098 (VCV005011098.1).